The following is an entry in ClinVar:

ClinVar aggregate classification (germline): Uncertain significance (1 of 4 stars; one submission).

Conditions:
Cornelia de Lange syndrome 1 (CDLS1). Also called: Brachmann de Lange syndrome; NIPBL-Related Cornelia de Lange Syndrome; TYPUS DEGENERATIVUS AMSTELODAMENSIS. Identifiers: Orphanet 199, MedGen C4551851, MONDO:0007387, OMIM 122470.

Allele frequency attached by ClinVar (database versions not stated): gnomAD exomes below 0.00001; TOPMed below 0.00001; gnomAD 0.00001.
gnomAD v4.1: 5 of 1,612,920 alleles (0.00031%); highest among the groups gnomAD compares: Non-Finnish European, 0.00042%; no homozygotes.

Submission:

Labcorp Genetics (formerly Invitae), Labcorp
Classification: Uncertain significance for Cornelia de Lange syndrome 1. Last evaluated: 2022-08-23. Review status: criteria provided, single submitter. Criteria: Invitae Variant Classification Sherloc (09022015). Collection method: clinical testing. Allele origin: germline.
Comment: This sequence change replaces serine, which is neutral and polar, with proline, which is neutral and non-polar, at codon 262 of the NIPBL protein (p.Ser262Pro). This variant is not present in population databases (gnomAD no frequency). This variant has not been reported in the literature in individuals affected with NIPBL-related conditions. Algorithms developed to predict the effect of missense changes on protein structure and function are either unavailable or do not agree on the potential impact of this missense change (SIFT: "Deleterious"; PolyPhen-2: "Benign"; Align-GVGD: "Class C0"). In summary, the available evidence is currently insufficient to determine the role of this variant in disease. Therefore, it has been classified as a Variant of Uncertain Significance.

NM_133433.4(NIPBL):c.784T>C (p.Ser262Pro)

Gene: NIPBL (NIPBL cohesin loading factor; plus strand). Cytogenetic location: 5p13.2.
Variant type: single nucleotide variant.
Coding change: c.784T>C on transcript NM_133433.4 (MANE Select); coding-DNA position 784, T replaced by C.
Protein change: p.Ser262Pro; replaces serine 262 with proline.
Molecular consequence: missense variant.
Genome position (GRCh38, 1-based): chr5:36,971,957, T>C. VCF-style: chr5-36971957-T-C. GRCh37 (hg19) VCF-style: chr5-36972059-T-C.
Other names: c.784T>C, p.Ser262Pro (NM_015384.5); short protein forms S262P.
Identifiers: ClinVar variation 2128948 (VCV002128948.4), dbSNP rs1189395668, ClinGen allele CA359480186.
Genomic context (GRCh38, chr5:36,971,957, plus strand): 5'-AAAGCCTCTCCTGTCATTCAAAAGATAAATTGTATACTCTATTTTTAGGATGGAGATTCT[T>C]CAACAATGAGGAATGCTGCATCTTTTCCCTTGAGATCTCCACAGCCAGTATGCTCCCCTG-3'
Protein context (NP_597677.2, residues 252-272): HRLSSDDGDS[Ser262Pro]TMRNAASFPL